The following is an entry in ClinVar:

NM_015100.4(POGZ):c.4154A>G (p.His1385Arg)

Gene: POGZ (pogo transposable element derived with ZNF domain; minus strand). Cytogenetic location: 1q21.3.
Variant type: single nucleotide variant.
Coding change: c.4154A>G on transcript NM_015100.4 (MANE Select); coding-DNA position 4154, A replaced by G.
Protein change: p.His1385Arg; replaces histidine 1385 with arginine.
Molecular consequence: missense variant.
Genome position (GRCh38, 1-based): chr1:151,404,881, T>C on the plus strand (A>G on the coding strand, the complement: POGZ is on the minus strand). VCF-style: chr1-151404881-T-C. GRCh37 (hg19) VCF-style: chr1-151377357-T-C.
Other names: c.4127A>G, p.His1376Arg (NM_001194937.2); c.3968A>G, p.His1323Arg (NM_001194938.2); c.3869A>G, p.His1290Arg (NM_145796.4); c.3995A>G, p.His1332Arg (NM_207171.2); short protein forms H1385R, H1290R, H1332R, H1323R, H1376R.
Identifiers: ClinVar variation 589030 (VCV000589030.5), dbSNP rs1557861908, ClinGen allele CA341933599.

ClinVar aggregate classification (germline): Uncertain significance (1 of 4 stars; one submission).

Conditions:
Inborn genetic diseases. Identifiers: MedGen C0950123, MeSH D030342.

Submission:

Ambry Genetics
Classification: Uncertain significance for Inborn genetic diseases. Last evaluated: 2017-05-09. Review status: criteria provided, single submitter. Criteria: Ambry Variant Classification Scheme 2023. Collection method: clinical testing. Allele origin: germline.
Comment: The p.H1385R variant (also known as c.4154A>G), located in coding exon 18 of the POGZ gene, results from an A to G substitution at nucleotide position 4154. The histidine at codon 1385 is replaced by arginine, an amino acid with highly similar properties. This amino acid position is well conserved in available vertebrate species. In addition, this alteration is predicted to be tolerated by in silico analysis. Since supporting evidence is limited at this time, the clinical significance of this alteration remains unclear.